The following is an entry in ClinVar:

NM_007294.4(BRCA1):c.292G>C (p.Gly98Arg)

Gene: BRCA1 (BRCA1 DNA repair associated; minus strand). Cytogenetic location: 17q21.31.
Variant type: single nucleotide variant.
Coding change: c.292G>C on transcript NM_007294.4 (MANE Select); coding-DNA position 292, G replaced by C.
Protein change: p.Gly98Arg; replaces glycine 98 with arginine.
Molecular consequence: missense variant. On other transcripts: non-coding transcript variant (1).
Genome position (GRCh38, 1-based): chr17:43,104,877, C>G on the plus strand (G>C on the coding strand, the complement: BRCA1 is on the minus strand). VCF-style: chr17-43104877-C-G. GRCh37 (hg19) VCF-style: chr17-41256894-C-G.
Other names: c.292G>C, p.Gly98Arg (NM_001407675.1, NM_001407676.1, NM_001407677.1 and 165 more transcripts); c.151G>C, p.Gly51Arg (NM_001407692.1, NM_001407694.1, NM_001407695.1 and 99 more transcripts); c.82G>C, p.Gly28Arg (NM_001407853.1, NM_001407879.1, NM_001407881.1 and 58 more transcripts); c.214G>C, p.Gly72Arg (NM_001407862.1, NM_001407874.1, NM_001407875.1 and 21 more transcripts); c.-90G>C (NM_001407959.1, NM_001407960.1, NM_001407962.1 and 4 more transcripts); c.292G>C, p.Asp98His (NM_001408408.1, NM_001407646.1, NM_001407647.1); c.160G>C, p.Gly54Arg (NM_001408451.1); short protein forms G98R, G51R, G28R, G72R, D98H, G54R.
Identifiers: ClinVar variation 54724 (VCV000054724.5), dbSNP rs80357409, ClinGen allele CA001912.
Genomic context (GRCh38, chr17:43,104,877, plus strand): 5'-AGTTTTCATGGACAGCACTTGAGTGTCATTCTTGGGATATTCAACACTTACACTCCAAAC[C>G]TGTGTCAAGCTGAAAAGCACAAATGATTTTCAATAGCTCTTCAACAAGTTGACTAAATCT-3'
Protein context (NP_009225.1, residues 88-108): KIICAFQLDT[Gly98Arg]LEYANSYNFA

ClinVar aggregate classification (germline): Uncertain significance (0 of 4 stars; one submission).

Conditions:
Breast-ovarian cancer, familial, susceptibility to, 1 (BROVCA1). Also called: OVARIAN CANCER, SUSCEPTIBILITY TO; BRCA1 Hereditary Breast and Ovarian Cancer. Identifiers: Orphanet 145, MedGen C2676676, MONDO:0011450, OMIM 604370. Disease mechanism: loss of function.

Submissions (2):

Breast Cancer Information Core (BIC) (BRCA1)
Classification: Uncertain significance for Breast-ovarian cancer, familial 1. Last evaluated: 1999-03-24. Review status: no assertion criteria provided. Collection method: clinical testing. Allele origin: germline. Affected: yes. Observed: 1 variant allele.

Brotman Baty Institute, University of Washington
No classification provided (evidence only). Condition: Breast-ovarian cancer, familial 1. Review status: no classification provided. Collection method: in vitro. Allele origin: not applicable. Functional consequence: functionally_normal. Not counted in ClinVar's aggregate classification.
ClinVar note: "not provided" was previously submitted as the classification for the variant. However, the classification appeared to be based only on an observation of functional data so it was converted to no classification on 2025-07-30.